The following is an entry in ClinVar:

NM_024675.4(PALB2):c.3307del (p.Val1103fs)

Gene: PALB2 (partner and localizer of BRCA2; minus strand). Cytogenetic location: 16p12.2.
Variant type: Deletion.
Coding change: c.3307del on transcript NM_024675.4 (MANE Select); coding-DNA position 3307, one base deleted (G; older notation c.3307delG).
Protein change: p.Val1103fs; shifts the reading frame from valine 1103.
Molecular consequence: frameshift variant. On other transcripts: intron variant (8).
Genome position (GRCh38, 1-based): chr16:23,607,907, C deleted on the plus strand (G on the coding strand, the reverse complement: PALB2 is on the minus strand). VCF-style (leftmost placement, unchanged base first): chr16-23607906-AC-A. GRCh37 (hg19) VCF-style: chr16-23619227-AC-A.
Other names: c.2229-4238del (NM_001407308.1, NM_001407309.1); c.1414-4238del (NM_001407313.1); c.3040-4238del (NM_001407302.1); c.3114-4238del (NM_001407299.1); c.3202-4238del (NM_001407301.1); c.2317-4238del (NM_001407311.1, NM_001407310.1); c.3247del, p.Val1083fs (NM_001407296.1); c.3235del, p.Val1079fs (NM_001407297.1); and 6 more; short protein forms V1010fs, V1049fs, V1079fs, V1083fs, V1103fs, V281fs, V507fs, V754fs.
Identifiers: ClinVar variation 4876035 (VCV004876035.1).

ClinVar aggregate classification (germline): Pathogenic (1 of 4 stars; one submission).

Conditions:
Familial cancer of breast. Also called: BREAST CANCER, FAMILIAL; Hereditary breast cancer; hereditary breast carcinoma. Identifiers: Orphanet 227535, MedGen C0346153, MONDO:0016419, OMIM 114480. Disease mechanism: loss of function.

Submission:

Myriad Genetics, Inc.
Classification: Pathogenic for Familial cancer of breast. Last evaluated: 2026-05-11. Review status: criteria provided, single submitter. Criteria: Myriad Autosomal Dominant, Autosomal Recessive and X-Linked Classification Criteria (2023). Collection method: clinical testing. Allele origin: unknown.
Comment: This variant is considered pathogenic. This variant creates a frameshift predicted to result in premature protein truncation.